The following is an entry in ClinVar:

NM_004329.3(BMPR1A):c.627T>G (p.Leu209=)

Gene: BMPR1A (bone morphogenetic protein receptor type 1A; plus strand). Cytogenetic location: 10q23.2.
Variant type: single nucleotide variant.
Coding change: c.627T>G on transcript NM_004329.3 (MANE Select); coding-DNA position 627, T replaced by G.
Protein change: p.Leu209=; no amino-acid change (leucine 209 retained).
Molecular consequence: synonymous variant. On other transcripts: non-coding transcript variant (3), intron variant (1).
Genome position (GRCh38, 1-based): chr10:86,912,336, T>G. VCF-style: chr10-86912336-T-G. GRCh37 (hg19) VCF-style: chr10-88672093-T-G.
Other names: c.702T>G, p.Leu234= (NM_001406559.1); c.675T>G, p.Leu225= (NM_001406560.1); c.627T>G, p.Leu209= (NM_001406561.1, NM_001406562.1, NM_001406563.1 and 20 more transcripts); c.543T>G, p.Leu181= (NM_001406584.1, NM_001406585.1, NM_001406586.1 and 2 more transcripts); c.334-4798T>G (NM_001406589.1).
Identifiers: ClinVar variation 3379146 (VCV003379146.1).

ClinVar aggregate classification (germline): Benign (1 of 4 stars; one submission).

Conditions:
Juvenile polyposis syndrome (JPS). Identifiers: Orphanet 2929, MedGen C0345893, MONDO:0017380, OMIM 174900.

Submission:

Myriad Genetics, Inc.
Classification: Benign for Juvenile polyposis syndrome. Last evaluated: 2024-08-01. Review status: criteria provided, single submitter. Criteria: Myriad Autosomal Dominant, Autosomal Recessive and X-Linked Classification Criteria (2023). Collection method: clinical testing. Allele origin: unknown.
Comment: This variant is considered benign. This variant is a silent/synonymous amino acid change and it is not expected to impact splicing.